The following is an entry in ClinVar:

NM_005188.4(CBL):c.2036+9G>T

Gene: CBL (Cbl proto-oncogene; plus strand). Cytogenetic location: 11q23.3.
Variant type: single nucleotide variant.
Coding change: c.2036+9G>T on transcript NM_005188.4 (MANE Select); 9 bases into the intron after coding-DNA position 2036, G replaced by T.
Molecular consequence: intron variant.
Genome position (GRCh38, 1-based): chr11:119,287,955, G>T. VCF-style: chr11-119287955-G-T. GRCh37 (hg19) VCF-style: chr11-119158665-G-T.
Identifiers: ClinVar variation 240121 (VCV000240121.27), dbSNP rs142704935, ClinGen allele CA6318655.

ClinVar aggregate classification (germline): Conflicting classifications of pathogenicity. Review status: criteria provided, conflicting classifications (1 of 4 stars). 9 submissions from 9 submitters: Uncertain significance (1); Benign (5); Likely benign (3). Last evaluated 2026-02-01.

Conditions:
Hereditary cancer-predisposing syndrome. Also called: Neoplastic Syndromes, Hereditary; Hereditary Cancer Syndrome; Tumor predisposition; Hereditary neoplastic syndrome. Identifiers: Orphanet 140162, MedGen C0027672, MeSH D009386, MONDO:0015356.
RASopathy. Also called: rasopathies; Noonan spectrum disorder. Identifiers: Orphanet 536391, MedGen C5555857, MONDO:0021060.
Noonan syndrome and Noonan-related syndrome. Identifiers: Orphanet 98733, MedGen C5681679, MONDO:0020297.
Juvenile myelomonocytic leukemia (JMML). Also called: LEUKEMIA, JUVENILE MYELOMONOCYTIC, SOMATIC. Identifiers: Orphanet 86834, MedGen C0349639, MONDO:0011908, OMIM 607785, HP:0012209.

Allele frequency attached by ClinVar (database versions not stated): gnomAD exomes 0.00014 and 0.00024; ESP Exome Variant Server 0.00023; ExAC 0.00024; gnomAD 0.00071 and 0.00076; TOPMed 0.00091; 1000 Genomes Project 0.00140; 1000 Genomes Project 30x 0.00156.
gnomAD v4.1: 319 of 1,592,424 alleles (0.02%); highest among the groups gnomAD compares: African/African-American, 0.2%; 1 homozygote.

Submissions (9):

Labcorp Genetics (formerly Invitae), Labcorp
Classification: Benign for RASopathy. Last evaluated: 2026-02-01. Review status: criteria provided, single submitter. Criteria: Invitae Variant Classification Sherloc (09022015). Collection method: clinical testing. Allele origin: germline.

KCCC/NGS Laboratory, Kuwait Cancer Control Center
Classification: Benign for Juvenile myelomonocytic leukemia. Last evaluated: 2025-02-01. Review status: criteria provided, single submitter. Criteria: ACMG Guidelines, 2015. Collection method: clinical testing. Allele origin: germline. Affected: no.

Blueprint Genetics
Classification: Likely benign. Last evaluated: 2024-11-06. Review status: criteria provided, single submitter. Criteria: ACMG Guidelines, 2015. Collection method: clinical testing. Allele origin: germline.

Molecular Diagnostics Laboratory, Catalan Institute of Oncology
Classification: Likely benign for Hereditary cancer-predisposing syndrome. Last evaluated: 2024-09-17. Review status: criteria provided, single submitter. Criteria: ACMG Guidelines, 2015. Collection method: clinical testing. Allele origin: germline.
Comment: BP4, BP7 CBL c.2036+9G>T is an intronic variant not very close to a canonical splice site, where the SpliceAI algorithm predicts no significant impact on splicing (BP4 and BP7).This variant is found in 48/23616, with a filter allele frequency of 0.14% (African subset) in the gnomAD v2.1.1 non-cancer database. To our knowledge, neither relevant clinical data nor functional studies have been reported for this variant. In addition, the variant was identified in the ClinVar database (1x likely benign, 4x benign, 1x uncertain significance). Based on currently available information, the variant c.2036+9G>T is classified as a likely benign variant according to ACMG guidelines.

ARUP Laboratories, Molecular Genetics and Genomics, ARUP Laboratories
Classification: Benign. Last evaluated: 2023-01-24. Review status: criteria provided, single submitter. Criteria: ARUP Molecular Germline Variant Investigation Process 2024. Collection method: clinical testing. Allele origin: germline.

Women's Health and Genetics/Laboratory Corporation of America, LabCorp
Classification: Benign. Last evaluated: 2020-11-16. Review status: criteria provided, single submitter. Criteria: LabCorp Variant Classification Summary - May 2015. Collection method: clinical testing. Allele origin: germline.
Comment: Variant summary: CBL c.2036+9G>T alters a non-conserved nucleotide located close to a canonical splice site and therefore could affect mRNA splicing, leading to a significantly altered protein sequence. 4/4 computational tools predict no significant impact on normal splicing. However, these predictions have yet to be confirmed by functional studies. The variant allele was found at a frequency of 0.00024 in 251404 control chromosomes. The observed variant frequency is approximately 97-fold the estimated maximal expected allele frequency for a pathogenic variant in CBL causing Noonan Syndrome And Related Conditions phenotype (2.5e-06), strongly suggesting that the variant is benign. To our knowledge, no occurrence of c.2036+9G>T in individuals affected with Noonan Syndrome And Related Conditions and no experimental evidence demonstrating its impact on protein function have been reported. Three other clinical diagnostic laboratories have submitted clinical-significance assessments for this variant to ClinVar after 2014 without evidence for independent evaluation. All laboratories cited the variant as benign/likely benign. Based on the evidence outlined above, the variant was classified as benign.

GeneDx
Classification: Benign. Last evaluated: 2017-08-23. Review status: criteria provided, single submitter. Criteria: GeneDx Variant Classification (06012015). Collection method: clinical testing. Allele origin: germline. Affected: yes.
Comment: This variant is considered likely benign or benign based on one or more of the following criteria: it is a conservative change, it occurs at a poorly conserved position in the protein, it is predicted to be benign by multiple in silico algorithms, and/or has population frequency not consistent with disease.

Center for Pediatric Genomic Medicine, Children's Mercy Hospital and Clinics
Classification: Likely benign. Last evaluated: 2017-06-12. Review status: criteria provided, single submitter. Criteria: ACMG Guidelines, 2015. Collection method: clinical testing. Allele origin: germline.

Genome Diagnostics Laboratory, The Hospital for Sick Children
Classification: Uncertain significance for Noonan syndrome and Noonan-related syndrome. Last evaluated: 2016-12-12. Review status: criteria provided, single submitter. Criteria: ACMG Guidelines, 2015. Collection method: clinical testing. Allele origin: germline.

Literature cited by the submitters: PubMed 20951944 (cited by Women's Health and Genetics/Laboratory Corporation of America, LabCorp); PubMed 19620960 (cited by Women's Health and Genetics/Laboratory Corporation of America, LabCorp); PubMed 29296819 (cited by Women's Health and Genetics/Laboratory Corporation of America, LabCorp); PubMed 27069254 (cited by Women's Health and Genetics/Laboratory Corporation of America, LabCorp).